The following is an entry in ClinVar:

NM_144966.5(FREM1):c.*2296G>A

Gene: FREM1 (FRAS1 related extracellular matrix 1; minus strand). Cytogenetic location: 9p22.3.
Variant type: single nucleotide variant.
Coding change: c.*2296G>A on transcript NM_144966.5; 2296 bases downstream of the stop codon, G replaced by A.
Genome position (GRCh38, 1-based): chr9:14,735,100, C>T on the plus strand (G>A on the coding strand, the complement: FREM1 is on the minus strand). VCF-style: chr9-14735100-C-T. GRCh37 (hg19) VCF-style: chr9-14735098-C-T.
Identifiers: ClinVar variation 366060 (VCV000366060.7), dbSNP rs117358199, ClinGen allele CA10626983.

ClinVar aggregate classification (germline): Benign (1 of 4 stars; one submission).

Conditions:
Oculotrichoanal syndrome (MOTA). Also called: MARLES SYNDROME; Manitoba Oculotrichoanal (MOTA) Syndrome. Identifiers: Orphanet 2717, MedGen C1855425, MONDO:0009560, OMIM 248450.

Allele frequency attached by ClinVar (database versions not stated): 1000 Genomes Project 30x 0.01515; 1000 Genomes Project 0.01538; gnomAD 0.02142 and 0.02183; TOPMed 0.01798; gnomAD exomes 0.13158.

Submission:

Illumina Laboratory Services, Illumina
Classification: Benign for Oculotrichoanal syndrome. Last evaluated: 2018-01-13. Review status: criteria provided, single submitter. Criteria: ICSL Variant Classification Criteria 13 December 2019. Collection method: clinical testing. Allele origin: germline.
Comment: This variant was observed in the ICSL laboratory as part of a predisposition screen in an ostensibly healthy population. It had not been previously curated by ICSL or reported in the Human Gene Mutation Database (HGMD: prior to June 1st, 2018), and was therefore a candidate for classification through an automated scoring system. Utilizing variant allele frequency, disease prevalence and penetrance estimates, and inheritance mode, an automated score was calculated to assess if this variant is too frequent to cause the disease. Based on the score and internal cut-off values, a variant classified as benign is not then subjected to further curation. The score for this variant resulted in a classification of benign for this disease.